The following is an entry in ClinVar:

ClinVar aggregate classification (germline): Likely benign (1 of 4 stars; one submission).

gnomAD v4.1: 2 of 1,183,453 alleles (0.00017%); highest among the groups gnomAD compares: African/African-American, 0.0021%; no homozygotes.

Submission:

CeGaT Center for Human Genetics Tuebingen
Classification: Likely benign. Last evaluated: 2026-05-01. Review status: criteria provided, single submitter. Criteria: CeGaT Center For Human Genetics Tuebingen Variant Classification Criteria Version 2. Collection method: clinical testing. Allele origin: germline. Affected: yes. Observed: 1 variant allele.
Comment: FAM47C: BP4, BP7

NM_001013736.3(FAM47C):c.1722T>C (p.Pro574=)

Gene: FAM47C (family with sequence similarity 47 member C; plus strand). Cytogenetic location: Xp21.1.
Variant type: single nucleotide variant.
Coding change: c.1722T>C on transcript NM_001013736.3 (MANE Select); coding-DNA position 1722, T replaced by C.
Protein change: p.Pro574=; no amino-acid change (proline 574 retained).
Molecular consequence: synonymous variant.
Genome position (GRCh38, 1-based): chrX:37,010,132, T>C. VCF-style: chrX-37010132-T-C. GRCh37 (hg19) VCF-style: chrX-37028205-T-C.
Identifiers: ClinVar variation 4871953 (VCV004871953.2).